The following is an entry in ClinVar:

NM_000138.5(FBN1):c.5810G>A (p.Gly1937Glu)

Gene: FBN1 (fibrillin 1; minus strand). Cytogenetic location: 15q21.1.
Variant type: single nucleotide variant.
Coding change: c.5810G>A on transcript NM_000138.5 (MANE Select); coding-DNA position 5810, G replaced by A.
Protein change: p.Gly1937Glu; replaces glycine 1937 with glutamic acid.
Molecular consequence: missense variant.
Genome position (GRCh38, 1-based): chr15:48,445,483, C>T on the plus strand (G>A on the coding strand, the complement: FBN1 is on the minus strand). VCF-style: chr15-48445483-C-T. GRCh37 (hg19) VCF-style: chr15-48737680-C-T.
Other names: short protein forms G1937E.
Identifiers: ClinVar variation 566815 (VCV000566815.8), dbSNP rs1566898444, ClinGen allele CA392340190.

ClinVar aggregate classification (germline): Uncertain significance (1 of 4 stars; one submission).

Conditions:
Familial thoracic aortic aneurysm and aortic dissection (TAAD). Also called: Thoracic aortic aneurysms and dissections. Identifiers: Orphanet 91387, MedGen C4707243, MONDO:0019625.
Marfan syndrome (MFS). Also called: FBN1-Related Marfan Syndrome; Marfan syndrome type 1; Marfan's syndrome; Marfan syndrome, classic; MARFAN SYNDROME, TYPE I. Identifiers: Orphanet 284963, Orphanet 558, MedGen C0024796, MONDO:0007947, OMIM 154700.

Submission:

Labcorp Genetics (formerly Invitae), Labcorp
Classification: Uncertain significance for Marfan syndrome; Familial thoracic aortic aneurysm and aortic dissection. Last evaluated: 2022-08-09. Review status: criteria provided, single submitter. Criteria: Invitae Variant Classification Sherloc (09022015). Collection method: clinical testing. Allele origin: germline.
Comment: This sequence change replaces glycine, which is neutral and non-polar, with glutamic acid, which is acidic and polar, at codon 1937 of the FBN1 protein (p.Gly1937Glu). This variant is not present in population databases (gnomAD no frequency). This variant has not been reported in the literature in individuals affected with FBN1-related conditions. ClinVar contains an entry for this variant (Variation ID: 566815). Advanced modeling of protein sequence and biophysical properties (such as structural, functional, and spatial information, amino acid conservation, physicochemical variation, residue mobility, and thermodynamic stability) performed at Invitae indicates that this missense variant is expected to disrupt FBN1 protein function. In summary, the available evidence is currently insufficient to determine the role of this variant in disease. Therefore, it has been classified as a Variant of Uncertain Significance.